The following is an entry in ClinVar:

ClinVar aggregate classification (germline): Conflicting classifications of pathogenicity. Review status: criteria provided, conflicting classifications (1 of 4 stars). 4 submissions from 4 submitters: Uncertain significance (2); Likely benign (2). Last evaluated 2025-06-27.

Conditions:
Inborn genetic diseases. Identifiers: MedGen C0950123, MeSH D030342.
Idiopathic generalized epilepsy. Also called: EIG; Generalised epilepsy. Identifiers: MedGen C0270850, MONDO:0005579, OMIM 600669.
Hyperaldosteronism, familial, type IV (HALD4). Also called: FH IV; ALDOSTERONISM, PRIMARY, AND HYPERTENSION. Identifiers: Orphanet 642671, MedGen C4310756, MONDO:0014875, OMIM 617027.
Epilepsy, childhood absence, susceptibility to, 6. Identifiers: Orphanet 64280, MedGen C2749872, MONDO:0012763, OMIM 611942.

Allele frequency attached by ClinVar (database versions not stated): gnomAD exomes 0.00005 and 0.00008; ExAC 0.00008; ESP Exome Variant Server 0.00031; TOPMed 0.00037; gnomAD 0.00038; 1000 Genomes Project 30x 0.00078; 1000 Genomes Project 0.00100.
gnomAD v4.1: 128 of 1,612,354 alleles (0.0079%); highest among the groups gnomAD compares: African/African-American, 0.14%; no homozygotes.

Submissions (4):

Labcorp Genetics (formerly Invitae), Labcorp
Classification: Likely benign for Idiopathic generalized epilepsy; Hyperaldosteronism, familial, type IV. Last evaluated: 2025-06-27. Review status: criteria provided, single submitter. Criteria: Invitae Variant Classification Sherloc (09022015). Collection method: clinical testing. Allele origin: germline.

Women's Health and Genetics/Laboratory Corporation of America, LabCorp
Classification: Uncertain significance. Last evaluated: 2024-05-03. Review status: criteria provided, single submitter. Criteria: LabCorp Variant Classification Summary - May 2015. Collection method: clinical testing. Allele origin: germline.
Comment: Variant summary: CACNA1H c.2146G>A (p.Gly716Ser) results in a non-conservative amino acid change in the encoded protein sequence. Four of five in-silico tools predict a benign effect of the variant on protein function. The variant allele was found at a frequency of 8.2e-05 in 245302 control chromosomes. c.2146G>A has been reported in the literature in individual(s) affected with Epilepsy and was curated as an Likely Benign change (Al Anazi_2022). These report(s) do not provide unequivocal conclusions about association of the variant with Idiopathic Generalized Epilepsy. To our knowledge, no experimental evidence demonstrating an impact on protein function has been reported. The following publication have been ascertained in the context of this evaluation (PMID: 36539902). ClinVar contains an entry for this variant (Variation ID: 720109). Based on the evidence outlined above, the variant was classified as uncertain significance.

Fulgent Genetics
Classification: Likely benign for Epilepsy, childhood absence, susceptibility to, 6; Hyperaldosteronism, familial, type IV. Last evaluated: 2022-05-17. Review status: criteria provided, single submitter. Criteria: ACMG Guidelines, 2015. Collection method: clinical testing. Allele origin: unknown.

Ambry Genetics
Classification: Uncertain significance for Inborn genetic diseases. Last evaluated: 2021-08-09. Review status: criteria provided, single submitter. Criteria: Ambry Variant Classification Scheme 2023. Collection method: clinical testing. Allele origin: germline.

Literature cited by the submitters: PubMed 36539902 (cited by Women's Health and Genetics/Laboratory Corporation of America, LabCorp).

NM_021098.3(CACNA1H):c.2146G>A (p.Gly716Ser)

Gene: CACNA1H (calcium voltage-gated channel subunit alpha1 H; plus strand). Cytogenetic location: 16p13.3.
Variant type: single nucleotide variant.
Coding change: c.2146G>A on transcript NM_021098.3 (MANE Select); coding-DNA position 2146, G replaced by A.
Protein change: p.Gly716Ser; replaces glycine 716 with serine.
Molecular consequence: missense variant.
Genome position (GRCh38, 1-based): chr16:1,204,153, G>A. VCF-style: chr16-1204153-G-A. GRCh37 (hg19) VCF-style: chr16-1254153-G-A.
Other names: c.2146G>A, p.Gly716Ser (NM_001005407.2); short protein forms G716S.
Identifiers: ClinVar variation 720109 (VCV000720109.14), dbSNP rs187225648, ClinGen allele CA7800127.